The following is an entry in ClinVar:

NM_004006.3(DMD):c.5578G>T (p.Ala1860Ser)

Gene: DMD (dystrophin; minus strand). Cytogenetic location: Xp21.1.
Variant type: single nucleotide variant.
Coding change: c.5578G>T on transcript NM_004006.3 (MANE Select); coding-DNA position 5578, G replaced by T.
Protein change: p.Ala1860Ser; replaces alanine 1860 with serine.
Molecular consequence: missense variant.
Genome position (GRCh38, 1-based): chrX:32,345,951, C>A on the plus strand (G>T on the coding strand, the complement: DMD is on the minus strand). VCF-style: chrX-32345951-C-A. GRCh37 (hg19) VCF-style: chrX-32364068-C-A.
Other names: c.5554G>T, p.Ala1852Ser (NM_000109.4); c.5566G>T, p.Ala1856Ser (NM_004009.3); c.5209G>T, p.Ala1737Ser (NM_004010.3); c.1555G>T, p.Ala519Ser (NM_004011.4); c.1546G>T, p.Ala516Ser (NM_004012.4); short protein forms A1856S, A516S, A1737S, A1852S, A1860S, A519S.
Identifiers: ClinVar variation 2189804 (VCV002189804.2), dbSNP rs1433418358, ClinGen allele CA412667226.
Genomic context (GRCh38, chrX:32,345,951, plus strand): 5'-TATATTAAAAAAAAACCACAGGCAAGGTATATTATAATTTTAGCTCTAATACCTTGAGAG[C>A]ATTATGTTTTGTCTGTAACAGCTGCTGTTTTATCTTTATTTCCTCTCGCTTTCTCTCATC-3'
Protein context (NP_003997.2, residues 1850-1870): KQQLLQTKHN[Ala1860Ser]LKDLRSQRRK

ClinVar aggregate classification (germline): Uncertain significance (1 of 4 stars; one submission).

Conditions:
Duchenne muscular dystrophy (DMD). Also called: MUSCULAR DYSTROPHY, PSEUDOHYPERTROPHIC PROGRESSIVE, DUCHENNE TYPE; Duchenne Muscular Dystrophy (DMD). Identifiers: Orphanet 98896, MedGen C0013264, MONDO:0010679, OMIM 310200.

Allele frequency attached by ClinVar (database versions not stated): gnomAD exomes below 0.00001; TOPMed below 0.00001; gnomAD 0.00002.
gnomAD v4.1: 3 of 1,206,246 alleles (0.00025%); highest among the groups gnomAD compares: African/African-American, 0.0018%; no homozygotes.

Submission:

Labcorp Genetics (formerly Invitae), Labcorp
Classification: Uncertain significance for Duchenne muscular dystrophy. Last evaluated: 2024-03-16. Review status: criteria provided, single submitter. Criteria: Invitae Variant Classification Sherloc (09022015). Collection method: clinical testing. Allele origin: germline.
Comment: This sequence change replaces alanine, which is neutral and non-polar, with serine, which is neutral and polar, at codon 1860 of the DMD protein (p.Ala1860Ser). This variant is not present in population databases (gnomAD no frequency). This variant has not been reported in the literature in individuals affected with DMD-related conditions. ClinVar contains an entry for this variant (Variation ID: 2189804). Advanced modeling of protein sequence and biophysical properties (such as structural, functional, and spatial information, amino acid conservation, physicochemical variation, residue mobility, and thermodynamic stability) performed at Invitae indicates that this missense variant is not expected to disrupt DMD protein function with a negative predictive value of 95%. In summary, the available evidence is currently insufficient to determine the role of this variant in disease. Therefore, it has been classified as a Variant of Uncertain Significance.